The following is an entry in ClinVar:

NM_001903.5(CTNNA1):c.816T>A (p.Gly272=)

Gene: CTNNA1 (catenin alpha 1; plus strand). Cytogenetic location: 5q31.2.
Variant type: single nucleotide variant.
Coding change: c.816T>A on transcript NM_001903.5 (MANE Select); coding-DNA position 816, T replaced by A.
Protein change: p.Gly272=; no amino-acid change (glycine 272 retained).
Molecular consequence: synonymous variant.
Genome position (GRCh38, 1-based): chr5:138,824,757, T>A. VCF-style: chr5-138824757-T-A. GRCh37 (hg19) VCF-style: chr5-138160446-T-A.
Other names: c.816T>A (NM_001903.2); c.816T>A, p.Gly272= (NM_001290307.3, NM_001323982.2, NM_001323983.1 and 3 more transcripts); c.507T>A, p.Gly169= (NM_001290309.3); c.447T>A, p.Gly149= (NM_001290310.3).
Identifiers: ClinVar variation 1103714 (VCV001103714.11), dbSNP rs1561564776, ClinGen allele CA446595071.

ClinVar aggregate classification (germline): Benign/Likely benign. Review status: criteria provided, multiple submitters, no conflicts (2 of 4 stars). 3 submissions from 3 submitters: Benign (1); Likely benign (2). Last evaluated 2024-10-10.

Conditions:
Hereditary cancer-predisposing syndrome. Also called: Neoplastic Syndromes, Hereditary; Hereditary neoplastic syndrome; Hereditary Cancer Syndrome; Tumor predisposition. Identifiers: Orphanet 140162, MedGen C0027672, MeSH D009386, MONDO:0015356.
Hereditary diffuse gastric adenocarcinoma (HDGC). Also called: DIFFUSE GASTRIC AND LOBULAR BREAST CANCER SYNDROME. Identifiers: Orphanet 26106, MedGen C1708349, MONDO:0007648, OMIM 137215.

Allele frequency attached by ClinVar (database versions not stated): gnomAD exomes below 0.00001.
gnomAD v4.1: 2 of 1,614,066 alleles (0.00012%); highest among the groups gnomAD compares: Non-Finnish European, 0.00017%; no homozygotes.

Submissions (3):

Myriad Genetics, Inc.
Classification: Benign for Hereditary diffuse gastric adenocarcinoma. Last evaluated: 2024-10-10. Review status: criteria provided, single submitter. Criteria: Myriad Autosomal Dominant, Autosomal Recessive and X-Linked Classification Criteria (2023). Collection method: clinical testing. Allele origin: unknown.
Comment: This variant is considered benign. This variant is a silent/synonymous amino acid change and it is not expected to impact splicing.

Labcorp Genetics (formerly Invitae), Labcorp
Classification: Likely benign. Last evaluated: 2024-04-14. Review status: criteria provided, single submitter. Criteria: Invitae Variant Classification Sherloc (09022015). Collection method: clinical testing. Allele origin: germline.

Ambry Genetics
Classification: Likely benign for Hereditary cancer-predisposing syndrome. Last evaluated: 2023-02-16. Review status: criteria provided, single submitter. Criteria: Ambry Variant Classification Scheme 2023. Collection method: clinical testing. Allele origin: germline.